The following is an entry in ClinVar:

NM_014251.3(SLC25A13):c.468+19_468+20insT

Gene: SLC25A13 (solute carrier family 25 member 13; minus strand). Cytogenetic location: 7q21.3.
Variant type: Insertion.
Coding change: c.468+19_468+20insT on transcript NM_014251.3 (MANE Select); bases 19 to 20 of the intron after coding-DNA position 468, T inserted.
Molecular consequence: intron variant.
Genome position: GRCh38 VCF-style: chr7-96208818-T-TA. GRCh37 (hg19) VCF-style: chr7-95838130-T-TA.
Other names: p.?; c.468+19_468+20insT (NM_001160210.2).
Identifiers: ClinVar variation 2153526 (VCV002153526.5), dbSNP rs766309615, ClinGen allele CA4353265.

ClinVar aggregate classification (germline): Likely benign. Review status: criteria provided, multiple submitters, no conflicts (2 of 4 stars). 2 submissions from 2 submitters: Likely benign (2). Last evaluated 2025-07-30.

Conditions:
Citrin deficiency. Identifiers: Orphanet 247582, MedGen C1997910, MONDO:0016602.

Allele frequency attached by ClinVar (database versions not stated): gnomAD exomes 0.00001; gnomAD 0.00003; ExAC 0.00005; TOPMed 0.00005; ESP Exome Variant Server 0.00008.

Submissions (2):

Mayo Clinic Laboratories, Mayo Clinic
Classification: Likely benign. Last evaluated: 2025-07-30. Review status: criteria provided, single submitter. Criteria: ACMG Guidelines, 2015. Collection method: clinical testing. Allele origin: germline. Observed: 1 variant allele.
Comment: PM2_supporting

Labcorp Genetics (formerly Invitae), Labcorp
Classification: Likely benign for Citrin deficiency. Last evaluated: 2024-02-22. Review status: criteria provided, single submitter. Criteria: Invitae Variant Classification Sherloc (09022015). Collection method: clinical testing. Allele origin: germline.